The following is an entry in ClinVar:

NM_002516.4(NOVA2):c.1174G>A (p.Gly392Arg)

Gene: NOVA2 (NOVA alternative splicing regulator 2; minus strand). Cytogenetic location: 19q13.32.
Variant type: single nucleotide variant.
Coding change: c.1174G>A on transcript NM_002516.4 (MANE Select); coding-DNA position 1174, G replaced by A.
Protein change: p.Gly392Arg; replaces glycine 392 with arginine.
Molecular consequence: missense variant.
Genome position (GRCh38, 1-based): chr19:45,940,168, C>T on the plus strand (G>A on the coding strand, the complement: NOVA2 is on the minus strand). VCF-style: chr19-45940168-C-T. GRCh37 (hg19) VCF-style: chr19-46443426-C-T.
Other names: short protein forms G392R.
Identifiers: ClinVar variation 2650135 (VCV002650135.24), dbSNP rs1303056978, ClinGen allele CA406432165.
Genomic context (GRCh38, chr19:45,940,168, plus strand): 5'-CAATCTCCACCAGCTCCTTGGCACTCTCAGCCGCCAGCTTCTCCGCCGTCAGGAAGCCCC[C>T]GGCCGCCCCGGCCGCGGCTGCAGCGGCCACCAGCGGGCCGCCCCCTCCGCCCGCCCCGCC-3'
Protein context (NP_002507.1, residues 382-402): VAAAAAAGAA[Gly392Arg]GFLTAEKLAA

ClinVar aggregate classification (germline): Uncertain significance (1 of 4 stars; one submission).

Allele frequency attached by ClinVar (database versions not stated): gnomAD exomes below 0.00001.

Submission:

CeGaT Center for Human Genetics Tuebingen
Classification: Uncertain significance. Last evaluated: 2022-11-01. Review status: criteria provided, single submitter. Criteria: CeGaT Center For Human Genetics Tuebingen Variant Classification Criteria Version 2. Collection method: clinical testing. Allele origin: germline. Affected: yes. Observed: 1 variant allele.
Comment: NOVA2: PM2, BP1